The following is an entry in ClinVar:

NM_000143.4(FH):c.1391-269A>G

Gene: FH (fumarate hydratase; minus strand). Cytogenetic location: 1q43.
Variant type: single nucleotide variant.
Coding change: c.1391-269A>G on transcript NM_000143.4 (MANE Select); 269 bases into the intron before coding-DNA position 1391, A replaced by G.
Molecular consequence: intron variant.
Genome position (GRCh38, 1-based): chr1:241,498,239, T>C on the plus strand (A>G on the coding strand, the complement: FH is on the minus strand). VCF-style: chr1-241498239-T-C. GRCh37 (hg19) VCF-style: chr1-241661539-T-C.
Identifiers: ClinVar variation 1191977 (VCV001191977.12), dbSNP rs2147911550, ClinGen allele CA2499214630.

ClinVar aggregate classification (germline): Pathogenic/Likely pathogenic. Review status: criteria provided, multiple submitters, no conflicts (2 of 4 stars). 3 submissions from 3 submitters: Pathogenic (2); Likely pathogenic (1). Last evaluated 2026-01-20.

Conditions:
Hereditary cancer-predisposing syndrome. Also called: Neoplastic Syndromes, Hereditary; Hereditary neoplastic syndrome; Hereditary Cancer Syndrome; Tumor predisposition. Identifiers: Orphanet 140162, MedGen C0027672, MeSH D009386, MONDO:0015356.

Submissions (3):

Labcorp Genetics (formerly Invitae), Labcorp
Classification: Pathogenic. Last evaluated: 2026-01-20. Review status: criteria provided, single submitter. Criteria: Invitae Variant Classification Sherloc (09022015). Collection method: clinical testing. Allele origin: germline.
Comment: This sequence change falls in intron 9 of the FH gene. It does not directly change the encoded amino acid sequence of the FH protein. RNA analysis indicates that this variant induces altered splicing and likely disrupts the C-terminus of the protein. This variant is not present in population databases (gnomAD no frequency). This variant has been observed in individual(s) with clinical features of hereditary leiomyomatosis and renal cell cancer and/or fumarate hydratase deficiency (De Meirleir et al 2006, internal data). ClinVar contains an entry for this variant (Variation ID: 1191977). Studies have shown that this variant results in pseudo exon inclusion and introduces a new termination codon (internal data). However the mRNA is not expected to undergo nonsense-mediated decay. This variant disrupts a region of the FH protein in which other variant(s) (p.Leu507Pro) have been determined to be pathogenic (PMID: 12761039; internal data). This suggests that this is a clinically significant region of the protein, and that variants that disrupt it are likely to be disease-causing. For these reasons, this variant has been classified as Pathogenic.

Ambry Genetics
Classification: Pathogenic for Hereditary cancer-predisposing syndrome. Last evaluated: 2022-12-05. Review status: criteria provided, single submitter. Criteria: Ambry Variant Classification Scheme 2023. Collection method: clinical testing. Allele origin: germline.
Comment: The c.1391-269A>G intronic pathogenic mutation results from an A to G substitution 269 nucleotides upstream from coding exon 10 in the FH gene. This alteration has been observed in at least one individual with a personal and/or family history that is consistent with FH-related disease (Ambry internal data). This variant has also been reported in the literature in an individual affected with fumarase deficiency (Allegri G et al. J Inherit Metab Dis. 2010 Aug;33:411-9). This nucleotide position is well conserved in available vertebrate species. In silico splice site analysis predicts that this alteration will result in the creation or strengthening of a novel splice acceptor site. RNA studies have demonstrated that this alteration results in abnormal splicing in the set of samples tested (Ambry internal data). Based on the supporting evidence, this alteration is interpreted as a disease-causing mutation.

GeneDx
Classification: Likely pathogenic. Last evaluated: 2022-11-21. Review status: criteria provided, single submitter. Criteria: GeneDx Variant Classification Process June 2021. Collection method: clinical testing. Allele origin: germline. Affected: yes.
Comment: Functional studies demonstrate a damaging effect:RNA studies exhibit aberrant splicing (External communication with an outside lab); In silico analysis supports a deleterious effect on splicing; No data available from control populations to assess the frequency of this variant; This variant is associated with the following publications: (PMID: 20549362)

Literature cited by the submitters: PubMed 12761039 (cited by Labcorp Genetics (formerly Invitae), Labcorp); PubMed 20549362 (cited by Ambry Genetics).